The following is an entry in ClinVar:

ClinVar aggregate classification (germline): Uncertain significance. Review status: criteria provided, multiple submitters, no conflicts (2 of 4 stars). 4 submissions from 4 submitters: Uncertain significance (4). Last evaluated 2025-12-24.

Conditions:
Inborn genetic diseases. Identifiers: MedGen C0950123, MeSH D030342.
DIAPH1-related disorder. Also called: DIAPH1-related condition.
Autosomal dominant nonsyndromic hearing loss 1. Also called: KONIGSMARK SYNDROME; DEAFNESS, AUTOSOMAL DOMINANT 1, WITH OR WITHOUT THROMBOCYTOPENIA. Identifiers: Orphanet 90635, MedGen C1852282, MONDO:0007424, OMIM 124900.
Progressive microcephaly-seizures-cortical blindness-developmental delay syndrome. Also called: Seizures, cortical blindness, and microcephaly syndrome. Identifiers: Orphanet 477814, MedGen C5567650, MONDO:0014714, OMIM 616632.

Allele frequency attached by ClinVar (database versions not stated): gnomAD 0.00003 and 0.00004; TOPMed 0.00003; ESP Exome Variant Server 0.00008.
gnomAD v4.1: 179 of 1,613,646 alleles (0.011%); highest among the groups gnomAD compares: Non-Finnish European, 0.014%; no homozygotes.

Submissions (4):

Labcorp Genetics (formerly Invitae), Labcorp
Classification: Uncertain significance for Progressive microcephaly-seizures-cortical blindness-developmental delay syndrome; Autosomal dominant nonsyndromic hearing loss 1. Last evaluated: 2025-12-24. Review status: criteria provided, single submitter. Criteria: Invitae Variant Classification Sherloc (09022015). Collection method: clinical testing. Allele origin: germline.
Comment: This sequence change replaces arginine, which is basic and polar, with leucine, which is neutral and non-polar, at codon 932 of the DIAPH1 protein (p.Arg932Leu). This variant is present in population databases (rs370578225, gnomAD 0.006%). This variant has not been reported in the literature in individuals affected with DIAPH1-related conditions. ClinVar contains an entry for this variant (Variation ID: 1412717). An algorithm developed to predict the effect of missense changes on protein structure and function (PolyPhen-2) suggests that this variant is likely to be tolerated. In summary, the available evidence is currently insufficient to determine the role of this variant in disease. Therefore, it has been classified as a Variant of Uncertain Significance.

PreventionGenetics, part of Exact Sciences
Classification: Uncertain significance for DIAPH1-related condition. Last evaluated: 2025-12-12. Review status: criteria provided, single submitter. Criteria: ACMG Guidelines, 2015. Collection method: clinical testing. Allele origin: germline.
Comment: The DIAPH1 c.2795G>T variant is predicted to result in the amino acid substitution p.Arg932Leu. To our knowledge, this variant has not been reported in the literature. This variant is reported in 0.0062% of alleles in individuals of European (Non-Finnish) descent in gnomAD. At this time, the clinical significance of this variant is uncertain due to the absence of conclusive functional and genetic evidence.

Ambry Genetics
Classification: Uncertain significance for Inborn genetic diseases. Last evaluated: 2024-09-25. Review status: criteria provided, single submitter. Criteria: Ambry Variant Classification Scheme 2023. Collection method: clinical testing. Allele origin: germline.

Blueprint Genetics
Classification: Uncertain significance. Last evaluated: 2024-06-13. Review status: criteria provided, single submitter. Criteria: ACMG Guidelines, 2015. Collection method: clinical testing. Allele origin: germline.

NM_005219.5(DIAPH1):c.2795G>T (p.Arg932Leu)

Gene: DIAPH1 (diaphanous related formin 1; minus strand). Cytogenetic location: 5q31.3.
Variant type: single nucleotide variant.
Coding change: c.2795G>T on transcript NM_005219.5 (MANE Select); coding-DNA position 2795, G replaced by T.
Protein change: p.Arg932Leu; replaces arginine 932 with leucine.
Molecular consequence: missense variant.
Genome position (GRCh38, 1-based): chr5:141,528,925, C>A on the plus strand (G>T on the coding strand, the complement: DIAPH1 is on the minus strand). VCF-style: chr5-141528925-C-A. GRCh37 (hg19) VCF-style: chr5-140908492-C-A.
Other names: c.2795G>T (NM_005219.4); c.2768G>T, p.Arg923Leu (NM_001079812.3); c.2795G>T, p.Arg932Leu (NM_001314007.2); short protein forms R923L, R932L.
Identifiers: ClinVar variation 1412717 (VCV001412717.11), dbSNP rs370578225, ClinGen allele CA3478948.